The following is an entry in ClinVar:

ClinVar aggregate classification (germline): Uncertain significance (1 of 4 stars; one submission).

Conditions:
Alstrom syndrome (ALMS). Identifiers: Orphanet 64, MedGen C0268425, MONDO:0008763, OMIM 203800.

gnomAD v4.1: 2 of 1,613,982 alleles (0.00012%); highest among the groups gnomAD compares: African/African-American, 0.0027%; no homozygotes.

Submission:

Labcorp Genetics (formerly Invitae), Labcorp
Classification: Uncertain significance for Alstrom syndrome. Last evaluated: 2024-04-02. Review status: criteria provided, single submitter. Criteria: Invitae Variant Classification Sherloc (09022015). Collection method: clinical testing. Allele origin: germline.
Comment: This sequence change creates a premature translational stop signal (p.Trp4168*) in the ALMS1 gene. While this is not anticipated to result in nonsense mediated decay, it is expected to disrupt the last 2 amino acid(s) of the ALMS1 protein. This variant is not present in population databases (gnomAD no frequency). This variant has not been reported in the literature in individuals affected with ALMS1-related conditions. Experimental studies and prediction algorithms are not available or were not evaluated, and the functional significance of this variant is currently unknown. In summary, the available evidence is currently insufficient to determine the role of this variant in disease. Therefore, it has been classified as a Variant of Uncertain Significance.

NM_001378454.1(ALMS1):c.12500G>A (p.Trp4167Ter)

Gene: ALMS1 (ALMS1 centrosome and basal body associated protein; plus strand). Cytogenetic location: 2p13.1.
Variant type: single nucleotide variant.
Coding change: c.12500G>A on transcript NM_001378454.1 (MANE Select); coding-DNA position 12500, G replaced by A.
Protein change: p.Trp4167Ter; replaces tryptophan 4167 with a stop codon.
Molecular consequence: nonsense.
Genome position (GRCh38, 1-based): chr2:73,609,605, G>A. VCF-style: chr2-73609605-G-A. GRCh37 (hg19) VCF-style: chr2-73836732-G-A.
Other names: c.12503G>A, p.Trp4168Ter (NM_015120.4); short protein forms W4167*, W4168*.
Identifiers: ClinVar variation 3624788 (VCV003624788.2).